The following is an entry in ClinVar:

ClinVar aggregate classification (germline): Uncertain significance (1 of 4 stars; one submission).

Conditions:
EP300-related disorder. Also called: EP300-related disorders; EP300-related condition.

Allele frequency attached by ClinVar (database versions not stated): gnomAD exomes below 0.00001.
gnomAD v4.1: 4 of 1,614,154 alleles (0.00025%); highest among the groups gnomAD compares: Non-Finnish European, 0.00034%; no homozygotes.

Submission:

PreventionGenetics, part of Exact Sciences
Classification: Uncertain significance for EP300-related condition. Last evaluated: 2026-05-13. Review status: criteria provided, single submitter. Criteria: ACMG Guidelines, 2015. Collection method: clinical testing. Allele origin: germline.
Comment: The EP300 c.2938G>A variant is predicted to result in the amino acid substitution p.Ala980Thr. To our knowledge, this variant has not been reported in the literature or in a large population database (gnomAD), indicating this variant is rare. At this time, the clinical significance of this variant is uncertain due to the absence of conclusive functional and genetic evidence.

NM_001429.4(EP300):c.2938G>A (p.Ala980Thr)

Genes: EP300 (EP300 lysine acetyltransferase; plus strand), LOC126863158 (BRD4-independent group 4 enhancer GRCh37_chr22:41547383-41548582; plus strand). Cytogenetic location: 22q13.2.
Variant type: single nucleotide variant.
Coding change: c.2938G>A on transcript NM_001429.4 (MANE Select); coding-DNA position 2938, G replaced by A.
Protein change: p.Ala980Thr; replaces alanine 980 with threonine.
Molecular consequence: missense variant.
Genome position (GRCh38, 1-based): chr22:41,151,953, G>A. VCF-style: chr22-41151953-G-A. GRCh37 (hg19) VCF-style: chr22-41547957-G-A.
Other names: c.2860G>A, p.Ala954Thr (NM_001362843.2); short protein forms A954T, A980T.
Identifiers: ClinVar variation 2629462 (VCV002629462.2), dbSNP rs918284554, ClinGen allele CA324538355.